The following is an entry in ClinVar:

NM_024666.5(AAGAB):c.50del (p.Phe17fs)

Genes: AAGAB (alpha and gamma adaptin binding protein; minus strand), LOC130057363 (ATAC-STARR-seq lymphoblastoid active region 9628; plus strand). Cytogenetic location: 15q23.
Variant type: Deletion.
Coding change: c.50del on transcript NM_024666.5 (MANE Select); coding-DNA position 50, one base deleted (T; older notation c.50delT).
Protein change: p.Phe17fs; shifts the reading frame from phenylalanine 17.
Molecular consequence: frameshift variant. On other transcripts: 5 prime UTR variant (1), intron variant (1).
Genome position (GRCh38, 1-based): chr15:67,254,582, A deleted on the plus strand (T on the coding strand, the reverse complement: AAGAB is on the minus strand); the first of 2 consecutive A bases (chr15:67,254,582-67,254,583); deleting either gives the same sequence. VCF-style (leftmost placement, unchanged base first): chr15-67254581-GA-G. GRCh37 (hg19) VCF-style: chr15-67546919-GA-G.
Other names: c.-423del (NM_001271886.2); c.-255+555del (NM_001271885.2); short protein forms F17fs.
Identifiers: ClinVar variation 2630130 (VCV002630130.1), dbSNP rs2505534485, ClinGen allele CA2629127654.

ClinVar aggregate classification (germline): Likely pathogenic (1 of 4 stars; one submission).

Conditions:
AAGAB-related disorder. Also called: AAGAB-related condition.

Submission:

PreventionGenetics, part of Exact Sciences
Classification: Likely pathogenic for AAGAB-related condition. Last evaluated: 2023-03-01. Review status: criteria provided, single submitter. Criteria: ACMG Guidelines, 2015. Collection method: clinical testing. Allele origin: germline.
Comment: The AAGAB c.50delT variant is predicted to result in a frameshift and premature protein termination (p.Phe17Serfs*20). To our knowledge, this variant has not been reported in the literature or in a large population database, indicating this variant is rare. Frameshift variants in AAGAB are expected to be pathogenic. This variant is interpreted as likely pathogenic.